The following is an entry in ClinVar:

NM_181882.3(PRX):c.1813C>T (p.Leu605Phe)

Gene: PRX (periaxin; minus strand). Cytogenetic location: 19q13.2.
Variant type: single nucleotide variant.
Coding change: c.1813C>T on transcript NM_181882.3 (MANE Select); coding-DNA position 1813, C replaced by T.
Protein change: p.Leu605Phe; replaces leucine 605 with phenylalanine.
Molecular consequence: missense variant. On other transcripts: 3 prime UTR variant (1).
Genome position (GRCh38, 1-based): chr19:40,396,539, G>A on the plus strand (C>T on the coding strand, the complement: PRX is on the minus strand). VCF-style: chr19-40396539-G-A. GRCh37 (hg19) VCF-style: chr19-40902446-G-A.
Other names: c.*2018C>T (NM_020956.2); short protein forms L605F.
Identifiers: ClinVar variation 476953 (VCV000476953.6), dbSNP rs1555801070, ClinGen allele CA405897609.

ClinVar aggregate classification (germline): Uncertain significance (1 of 4 stars; one submission).

Conditions:
Charcot-Marie-Tooth disease type 4. Also called: Charcot-Marie-Tooth disease, type IV; Charcot-Marie-Tooth, Type 4. Identifiers: Orphanet 64749, MedGen C4082197, MONDO:0018995.

Submission:

Labcorp Genetics (formerly Invitae), Labcorp
Classification: Uncertain significance for Charcot-Marie-Tooth disease type 4. Last evaluated: 2021-09-01. Review status: criteria provided, single submitter. Criteria: Invitae Variant Classification Sherloc (09022015). Collection method: clinical testing. Allele origin: germline.
Comment: This sequence change replaces leucine with phenylalanine at codon 605 of the PRX protein (p.Leu605Phe). The leucine residue is highly conserved and there is a small physicochemical difference between leucine and phenylalanine. This variant is not present in population databases (ExAC no frequency). This variant has not been reported in the literature in individuals affected with PRX-related conditions. Algorithms developed to predict the effect of missense changes on protein structure and function are either unavailable or do not agree on the potential impact of this missense change (SIFT: "Deleterious"; PolyPhen-2: "Possibly Damaging"; Align-GVGD: "Class C0"). In summary, the available evidence is currently insufficient to determine the role of this variant in disease. Therefore, it has been classified as a Variant of Uncertain Significance.